The following is an entry in ClinVar:

NM_001085049.3(MRAS):c.493G>A (p.Asp165Asn)

Gene: MRAS (muscle RAS oncogene homolog; plus strand). Cytogenetic location: 3q22.3.
Variant type: single nucleotide variant.
Coding change: c.493G>A on transcript NM_001085049.3 (MANE Select); coding-DNA position 493, G replaced by A.
Protein change: p.Asp165Asn; replaces aspartic acid 165 with asparagine.
Molecular consequence: missense variant.
Genome position (GRCh38, 1-based): chr3:138,400,579, G>A. VCF-style: chr3-138400579-G-A. GRCh37 (hg19) VCF-style: chr3-138119421-G-A.
Other names: c.493G>A, p.Asp165Asn (NM_001252090.2, NM_012219.4); c.265G>A, p.Asp89Asn (NM_001252091.1, NM_001252092.2, NM_001252093.2); short protein forms D89N, D165N.
Identifiers: ClinVar variation 2985969 (VCV002985969.3), dbSNP rs769097483, ClinGen allele CA2637036.
Genomic context (GRCh38, chr3:138,400,579, plus strand): 5'-AGCTTTGCCTTCCAGATTCCGTACATAGAAACCAGTGCCAAGGACCCACCTCTCAATGTC[G>A]ACAAAGCCTTCCATGACCTCGTTAGAGTAATTAGGTGAGCACTGCCCTCTCCCTAGAAGC-3'
Protein context (NP_001078518.1, residues 155-175): TSAKDPPLNV[Asp165Asn]KAFHDLVRVI

ClinVar aggregate classification (germline): Uncertain significance (1 of 4 stars; one submission).

Allele frequency attached by ClinVar (database versions not stated): gnomAD exomes below 0.00001; ExAC 0.00001.

Submission:

Labcorp Genetics (formerly Invitae), Labcorp
Classification: Uncertain significance. Last evaluated: 2023-06-19. Review status: criteria provided, single submitter. Criteria: Invitae Variant Classification Sherloc (09022015). Collection method: clinical testing. Allele origin: germline.
Comment: In summary, the available evidence is currently insufficient to determine the role of this variant in disease. Therefore, it has been classified as a Variant of Uncertain Significance. An algorithm developed to predict the effect of missense changes on protein structure and function (PolyPhen-2) suggests that this variant is likely to be disruptive. This variant has not been reported in the literature in individuals affected with MRAS-related conditions. This variant is present in population databases (rs769097483, gnomAD 0.003%). This sequence change replaces aspartic acid, which is acidic and polar, with asparagine, which is neutral and polar, at codon 165 of the MRAS protein (p.Asp165Asn).